The following is an entry in ClinVar:

ClinVar aggregate classification (germline): Likely benign. Review status: criteria provided, multiple submitters, no conflicts (2 of 4 stars). 2 submissions from 2 submitters: Likely benign (2). Last evaluated 2025-06-01.

gnomAD v4.1: 15 of 1,602,514 alleles (0.00094%); highest among the groups gnomAD compares: Non-Finnish European, 0.0013%; no homozygotes.

Submissions (2):

CeGaT Center for Human Genetics Tuebingen
Classification: Likely benign. Last evaluated: 2025-06-01. Review status: criteria provided, single submitter. Criteria: CeGaT Center For Human Genetics Tuebingen Variant Classification Criteria Version 2. Collection method: clinical testing. Allele origin: germline. Affected: yes. Observed: 1 variant allele.
Comment: TCF7L2: BP4, BP7

Blueprint Genetics
Classification: Likely benign. Last evaluated: 2024-01-31. Review status: criteria provided, single submitter. Criteria: ACMG Guidelines, 2015. Collection method: clinical testing. Allele origin: germline.

NM_001367943.1(TCF7L2):c.1770A>C (p.Ala590=)

Gene: TCF7L2 (transcription factor 7 like 2; plus strand). Cytogenetic location: 10q25.3.
Variant type: single nucleotide variant.
Coding change: c.1770A>C on transcript NM_001367943.1 (MANE Select); coding-DNA position 1770, A replaced by C.
Protein change: p.Ala590=; no amino-acid change (alanine 590 retained).
Molecular consequence: synonymous variant. On other transcripts: 3 prime UTR variant (12).
Genome position (GRCh38, 1-based): chr10:113,165,882, A>C. VCF-style: chr10-113165882-A-C. GRCh37 (hg19) VCF-style: chr10-114925641-A-C.
Other names: c.1719A>C, p.Ala573= (NM_001146274.2); c.*248A>C (NM_001146283.2, NM_001146284.2, NM_001146286.2 and 4 more transcripts); c.1650A>C, p.Ala550= (NM_001146285.2, NM_001198526.2); c.*358A>C (NM_001198525.2); c.*346A>C (NM_001198527.2, NM_001198528.2, NM_001349870.2 and 1 more transcripts); c.1701A>C, p.Ala567= (NM_030756.5).
Identifiers: ClinVar variation 3905589 (VCV003905589.11).